The following is an entry in ClinVar:

NM_005732.4(RAD50):c.1130A>G (p.Gln377Arg)

Gene: RAD50 (RAD50 double strand break repair protein; plus strand). Cytogenetic location: 5q31.1.
Variant type: single nucleotide variant.
Coding change: c.1130A>G on transcript NM_005732.4 (MANE Select); coding-DNA position 1130, A replaced by G.
Protein change: p.Gln377Arg; replaces glutamine 377 with arginine.
Molecular consequence: missense variant.
Genome position (GRCh38, 1-based): chr5:132,588,765, A>G. VCF-style: chr5-132588765-A-G. GRCh37 (hg19) VCF-style: chr5-131924457-A-G.
Other names: short protein forms Q377R.
Identifiers: ClinVar variation 577355 (VCV000577355.13), dbSNP rs1193852597, ClinGen allele CA360942534.
Genomic context (GRCh38, chr5:132,588,765, plus strand): 5'-CAGATCGCCATCAAGAACATATCCGAGCTAGAGATTCATTAATTCAGTCTTTGGCAACAC[A>G]GCTAGAATTGGATGGCTTTGAGCGTGGACCATTCAGTGAAAGACAGATTAAAAATTTTCA-3'
Protein context (NP_005723.2, residues 367-387): RDSLIQSLAT[Gln377Arg]LELDGFERGP

ClinVar aggregate classification (germline): Uncertain significance. Review status: criteria provided, multiple submitters, no conflicts (2 of 4 stars). 3 submissions from 3 submitters: Uncertain significance (3). Last evaluated 2024-11-16.

Conditions:
Hereditary cancer-predisposing syndrome. Also called: Hereditary neoplastic syndrome; Neoplastic Syndromes, Hereditary; Hereditary Cancer Syndrome; Tumor predisposition. Identifiers: Orphanet 140162, MedGen C0027672, MeSH D009386, MONDO:0015356.

Allele frequency attached by ClinVar (database versions not stated): gnomAD exomes below 0.00001; TOPMed below 0.00001; gnomAD 0.00001.
gnomAD v4.1: 3 of 1,613,922 alleles (0.00019%); highest among the groups gnomAD compares: Non-Finnish European, 0.00025%; no homozygotes.

Submissions (3):

Ambry Genetics
Classification: Uncertain significance for Hereditary cancer-predisposing syndrome. Last evaluated: 2024-11-16. Review status: criteria provided, single submitter. Criteria: Ambry Variant Classification Scheme 2023. Collection method: clinical testing. Allele origin: germline.
Comment: The p.Q377R variant (also known as c.1130A>G), located in coding exon 8 of the RAD50 gene, results from an A to G substitution at nucleotide position 1130. The glutamine at codon 377 is replaced by arginine, an amino acid with highly similar properties. This amino acid position is poorly conserved in available vertebrate species. In addition, this alteration is predicted to be tolerated by in silico analysis. Since supporting evidence is limited at this time, the clinical significance of this alteration remains unclear.

Labcorp Genetics (formerly Invitae), Labcorp
Classification: Uncertain significance for Hereditary cancer-predisposing syndrome. Last evaluated: 2023-11-09. Review status: criteria provided, single submitter. Criteria: Invitae Variant Classification Sherloc (09022015). Collection method: clinical testing. Allele origin: germline.
Comment: This sequence change replaces glutamine, which is neutral and polar, with arginine, which is basic and polar, at codon 377 of the RAD50 protein (p.Gln377Arg). This variant is not present in population databases (gnomAD no frequency). This variant has not been reported in the literature in individuals affected with RAD50-related conditions. ClinVar contains an entry for this variant (Variation ID: 577355). Advanced modeling of protein sequence and biophysical properties (such as structural, functional, and spatial information, amino acid conservation, physicochemical variation, residue mobility, and thermodynamic stability) performed at Invitae indicates that this missense variant is not expected to disrupt RAD50 protein function with a negative predictive value of 80%. In summary, the available evidence is currently insufficient to determine the role of this variant in disease. Therefore, it has been classified as a Variant of Uncertain Significance.

Blueprint Genetics
Classification: Uncertain significance. Last evaluated: 2022-02-03. Review status: criteria provided, single submitter. Criteria: ACMG Guidelines, 2015. Collection method: clinical testing. Allele origin: germline.